The following is an entry in ClinVar:

ClinVar aggregate classification (germline): Uncertain significance. Review status: criteria provided, multiple submitters, no conflicts (2 of 4 stars). 3 submissions from 3 submitters: Uncertain significance (3). Last evaluated 2026-01-18.

Conditions:
Hereditary cancer-predisposing syndrome. Also called: Neoplastic Syndromes, Hereditary; Hereditary Cancer Syndrome; Tumor predisposition; Hereditary neoplastic syndrome. Identifiers: Orphanet 140162, MedGen C0027672, MeSH D009386, MONDO:0015356.
EGFR-related lung cancer (EGFR). Identifiers: MedGen CN130014.
Hereditary cancer. Identifiers: MedGen C1333600.

Allele frequency attached by ClinVar (database versions not stated): gnomAD exomes 0.00001; TOPMed 0.00001; ExAC 0.00002; gnomAD 0.00003; ESP Exome Variant Server 0.00015.
gnomAD v4.1: 12 of 1,612,044 alleles (0.00074%); highest among the groups gnomAD compares: African/African-American, 0.0053%; no homozygotes.

Submissions (3):

Labcorp Genetics (formerly Invitae), Labcorp
Classification: Uncertain significance for EGFR-related lung cancer. Last evaluated: 2026-01-18. Review status: criteria provided, single submitter. Criteria: Invitae Variant Classification Sherloc (09022015). Collection method: clinical testing. Allele origin: germline.
Comment: This sequence change replaces threonine, which is neutral and polar, with methionine, which is neutral and non-polar, at codon 678 of the EGFR protein (p.Thr678Met). This variant is present in population databases (rs138193597, gnomAD 0.008%). This missense change has been observed in individual(s) with breast cancer (PMID: 35264596). ClinVar contains an entry for this variant (Variation ID: 584694). Invitae Evidence Modeling of protein sequence and biophysical properties (such as structural, functional, and spatial information, amino acid conservation, physicochemical variation, residue mobility, and thermodynamic stability) indicates that this missense variant is expected to disrupt EGFR protein function with a positive predictive value of 80%. In summary, the available evidence is currently insufficient to determine the role of this variant in disease. Therefore, it has been classified as a Variant of Uncertain Significance.

Ambry Genetics
Classification: Uncertain significance for Hereditary cancer-predisposing syndrome. Last evaluated: 2024-10-17. Review status: criteria provided, single submitter. Criteria: Ambry Variant Classification Scheme 2023. Collection method: clinical testing. Allele origin: germline.
Comment: The p.T678M variant (also known as c.2033C>T), located in coding exon 17 of the EGFR gene, results from a C to T substitution at nucleotide position 2033. The threonine at codon 678 is replaced by methionine, an amino acid with similar properties. This amino acid position is highly conserved in available vertebrate species. In addition, the in silico prediction for this alteration is inconclusive. Based on the available evidence, the clinical significance of this variant remains unclear.

Mendelics
Classification: Uncertain significance for Hereditary cancer. Last evaluated: 2018-07-02. Review status: criteria provided, single submitter. Criteria: Mendelics Assertion Criteria 2017. Collection method: clinical testing. Allele origin: unknown.

Literature cited by the submitters: PubMed 35264596 (cited by Labcorp Genetics (formerly Invitae), Labcorp).

NM_005228.5(EGFR):c.2033C>T (p.Thr678Met)

Gene: EGFR (epidermal growth factor receptor; plus strand). Cytogenetic location: 7p11.2.
Variant type: single nucleotide variant.
Coding change: c.2033C>T on transcript NM_005228.5 (MANE Select); coding-DNA position 2033, C replaced by T.
Protein change: p.Thr678Met; replaces threonine 678 with methionine.
Molecular consequence: missense variant.
Genome position (GRCh38, 1-based): chr7:55,173,096, C>T. VCF-style: chr7-55173096-C-T. GRCh37 (hg19) VCF-style: chr7-55240789-C-T.
Other names: c.1898C>T, p.Thr633Met (NM_001346897.2, NM_001346899.2); c.2033C>T, p.Thr678Met (NM_001346898.2); c.1874C>T, p.Thr625Met (NM_001346900.2); c.1232C>T, p.Thr411Met (NM_001346941.2); short protein forms T678M, T411M, T625M, T633M.
Identifiers: ClinVar variation 584694 (VCV000584694.10), dbSNP rs138193597, ClinGen allele CA4265946.